The following is an entry in ClinVar:

ClinVar aggregate classification (germline): Likely pathogenic (1 of 4 stars; one submission).

Conditions:
Marfan syndrome (MFS). Also called: MARFAN SYNDROME, TYPE I; Marfan syndrome type 1; Marfan's syndrome; FBN1-Related Marfan Syndrome; Marfan syndrome, classic. Identifiers: Orphanet 284963, Orphanet 558, MedGen C0024796, MONDO:0007947, OMIM 154700.

Submission:

All of Us Research Program, National Institutes of Health
Classification: Likely pathogenic for Marfan syndrome. Last evaluated: 2024-05-07. Review status: criteria provided, single submitter. Criteria: ACMG Guidelines, 2015. Collection method: clinical testing. Allele origin: germline. Inheritance: Autosomal dominant inheritance. Observed: 1 variant allele, 1 heterozygote.
Comment: The c.3229del (p.Ser1077Leufs*11) variant in FBN1 gene, that encodes for fibrillin 1, creates a premature termination codon that is predicted to lead to absent or truncated protein product. Loss-of-function variants in FBN1 are known to cause Marfan syndrome and ClinGen score shows sufficient evidence of haploinsufficiency of this gene (PMID: 17701892, 30286810, 21063442, 17657824, 19293843). This variant has not been reported previously in affected individuals. Loss-of-function variants downstream of this variant have been reported in individuals with Marfan syndrome (PMID: 16220557) and interpreted as pathogenic by multiple ClinVar submitters (ClinVar ID: 265445, 449815, 520240). This variant is absent in the general population database, gnomAD. Therefore, the c.3229del (p.Ser1077Leufs*11) variant in the FBN1 gene is classified as likely pathogenic.

This study involves interpretation of variants in research participants for the purpose of population health screening. Participant phenotype was not available at the time of variant classification. Additional details can be found in publication PMID: 35346344, PMCID: PMC8962531

Literature cited by the submitters: PubMed 16220557; PubMed 17657824; PubMed 17701892; PubMed 19293843; PubMed 21063442; PubMed 30286810.

NM_000138.5(FBN1):c.3229del (p.Ser1077fs)

Gene: FBN1 (fibrillin 1; minus strand). Cytogenetic location: 15q21.1.
Variant type: Deletion.
Coding change: c.3229del on transcript NM_000138.5 (MANE Select); coding-DNA position 3229, one base deleted (T; older notation c.3229delT).
Protein change: p.Ser1077fs; shifts the reading frame from serine 1077.
Molecular consequence: frameshift variant.
Genome position (GRCh38, 1-based): chr15:48,488,221, A deleted on the plus strand (T on the coding strand, the reverse complement: FBN1 is on the minus strand). VCF-style (leftmost placement, unchanged base first): chr15-48488220-GA-G. GRCh37 (hg19) VCF-style: chr15-48780417-GA-G.
Other names: c.3229del, p.Ser1077fs (NM_001406716.1); short protein forms S1077fs.
Identifiers: ClinVar variation 3386819 (VCV003386819.1).